The following is an entry in ClinVar:

ClinVar aggregate classification (germline): Pathogenic (1 of 4 stars; one submission).

Conditions:
Peroxisome biogenesis disorder. Identifiers: Orphanet 79189, MedGen C1832200, MONDO:0019234. Disease mechanism: loss of function.

Submission:

Myriad Genetics, Inc.
Classification: Pathogenic for Peroxisome biogenesis disorder. Last evaluated: 2026-02-11. Review status: criteria provided, single submitter. Criteria: Myriad Autosomal Dominant, Autosomal Recessive and X-Linked Classification Criteria (2023). Collection method: clinical testing. Allele origin: unknown.
Comment: NM_000287.3(PEX6):c.2332_2334delGTGinsAT(V778Mfs*44) is expected to be pathogenic in the context of peroxisome biogenesis disorder type 4. This variant is predicted to lead to an abnormal or absent protein product due to the creation of a premature termination codon in PEX6, a gene where loss-of-function variants are known to be pathogenic. Please note: this variant was assessed in the context of healthy population screening.

NM_000287.4(PEX6):c.2332_2334delinsAT (p.Val778fs)

Gene: PEX6 (peroxisomal biogenesis factor 6; minus strand). Cytogenetic location: 6p21.1.
Variant type: Indel.
Coding change: c.2332_2334delinsAT on transcript NM_000287.4 (MANE Select); coding-DNA positions 2332 to 2334, GTG replaced by AT.
Protein change: p.Val778fs; shifts the reading frame from valine 778.
Molecular consequence: frameshift variant.
Genome position (GRCh38, 1-based): chr6:42,966,072-42,966,074, CAC replaced by AT on the plus strand (GTG replaced by AT on the coding strand, the reverse complement: PEX6 is on the minus strand). VCF-style: chr6-42966072-CAC-AT. GRCh37 (hg19) VCF-style: chr6-42933810-CAC-AT.
Other names: c.2068_2070delinsAT, p.Val690fs (NM_001316313.2); short protein forms V690fs, V778fs.
Identifiers: ClinVar variation 5015534 (VCV005015534.1).